The following is an entry in ClinVar:

NM_001195263.2(PDZD7):c.189_196dup (p.Arg66fs)

Gene: PDZD7 (PDZ domain containing 7; minus strand). Cytogenetic location: 10q24.31.
Variant type: Duplication.
Coding change: c.189_196dup on transcript NM_001195263.2 (MANE Select); coding-DNA positions 189 to 196, 8 bases duplicated (CATGGGAC; older notation c.189_196dupCATGGGAC).
Protein change: p.Arg66fs; shifts the reading frame from arginine 66.
Molecular consequence: frameshift variant.
Genome position (GRCh38, 1-based): chr10:101,030,024-101,030,031, GTCCCATG duplicated on the plus strand (CATGGGAC on the coding strand, the reverse complement: PDZD7 is on the minus strand); duplicating any 8 consecutive bases within chr10:101,030,024-101,030,032 gives the same sequence; the c. name uses the placement nearest the transcript's 3' end. VCF-style (leftmost placement, unchanged base first): chr10-101030023-C-CGTCCCATG. GRCh37 (hg19) VCF-style: chr10-102789780-C-CGTCCCATG.
Other names: c.189_196dup, p.Arg66fs (NM_001351044.2, NM_024895.5); short protein forms R66fs.
Identifiers: ClinVar variation 2818629 (VCV002818629.3), dbSNP rs1315025418, ClinGen allele CA658919889.

ClinVar aggregate classification (germline): Pathogenic (1 of 4 stars; one submission).

Submission:

Labcorp Genetics (formerly Invitae), Labcorp
Classification: Pathogenic. Last evaluated: 2022-12-04. Review status: criteria provided, single submitter. Criteria: Invitae Variant Classification Sherloc (09022015). Collection method: clinical testing. Allele origin: germline.
Comment: This sequence change creates a premature translational stop signal (p.Arg66Profs*74) in the PDZD7 gene. It is expected to result in an absent or disrupted protein product. Loss-of-function variants in PDZD7 are known to be pathogenic (PMID: 20440071). This variant is not present in population databases (gnomAD no frequency). This variant has not been reported in the literature in individuals affected with PDZD7-related conditions. For these reasons, this variant has been classified as Pathogenic.

Literature cited by the submitters: PubMed 20440071.